The following is an entry in ClinVar:

ClinVar aggregate classification (germline): Uncertain significance (1 of 4 stars; one submission).

Conditions:
Early-infantile DEE. Also called: Early infantile epileptic encephalopathy; Early infantile epileptic encephalopathy with suppression bursts; Ohtahara syndrome. Identifiers: Orphanet 1934, MedGen C0393706, MONDO:0800491.

Submission:

Labcorp Genetics (formerly Invitae), Labcorp
Classification: Uncertain significance for Early-infantile DEE. Last evaluated: 2023-05-03. Review status: criteria provided, single submitter. Criteria: Invitae Variant Classification Sherloc (09022015). Collection method: clinical testing. Allele origin: germline.
Comment: In summary, the available evidence is currently insufficient to determine the role of this variant in disease. Therefore, it has been classified as a Variant of Uncertain Significance. Advanced modeling of protein sequence and biophysical properties (such as structural, functional, and spatial information, amino acid conservation, physicochemical variation, residue mobility, and thermodynamic stability) has been performed at Invitae for this missense variant, however the output from this modeling did not meet the statistical confidence thresholds required to predict the impact of this variant on SCN1A protein function. This missense change has been observed in individual(s) with developmental and epileptic encephalopathy (PMID: 17054684). In at least one individual the variant was observed to be de novo. This variant is not present in population databases (gnomAD no frequency). This sequence change replaces glutamic acid, which is acidic and polar, with lysine, which is basic and polar, at codon 853 of the SCN1A protein (p.Glu853Lys).

Literature cited by the submitters: PubMed 17054684.

NM_001165963.4(SCN1A):c.2557G>A (p.Glu853Lys)

Gene: SCN1A (sodium voltage-gated channel alpha subunit 1; minus strand). Cytogenetic location: 2q24.3.
Variant type: single nucleotide variant.
Coding change: c.2557G>A on transcript NM_001165963.4 (MANE Select); coding-DNA position 2557, G replaced by A.
Protein change: p.Glu853Lys; replaces glutamic acid 853 with lysine.
Molecular consequence: missense variant. On other transcripts: non-coding transcript variant (1).
Genome position (GRCh38, 1-based): chr2:166,039,455, C>T on the plus strand (G>A on the coding strand, the complement: SCN1A is on the minus strand). VCF-style: chr2-166039455-C-T. GRCh37 (hg19) VCF-style: chr2-166895965-C-T.
Other names: c.2473G>A, p.Glu825Lys (NM_001165964.3, NM_001353957.2, NM_001353958.2); c.2557G>A, p.Glu853Lys (NM_001202435.3, NM_001353948.2); c.2524G>A, p.Glu842Lys (NM_001353949.2, NM_001353950.2, NM_001353951.2 and 2 more transcripts); c.2521G>A, p.Glu841Lys (NM_001353954.2, NM_001353955.2); c.2470G>A, p.Glu824Lys (NM_001353960.2); c.115G>A, p.Glu39Lys (NM_001353961.2); short protein forms E825K, E841K, E853K, E39K, E842K, E824K.
Identifiers: ClinVar variation 2734309 (VCV002734309.3), dbSNP rs1553542232, ClinGen allele CA349062435.